The following is an entry in ClinVar:

NM_130797.4(DPP6):c.150G>A (p.Ala50=)

Gene: DPP6 (dipeptidyl peptidase like 6; plus strand). Cytogenetic location: 7q36.2.
Variant type: single nucleotide variant.
Coding change: c.150G>A on transcript NM_130797.4 (MANE Select); coding-DNA position 150, G replaced by A.
Protein change: p.Ala50=; no amino-acid change (alanine 50 retained).
Molecular consequence: synonymous variant. On other transcripts: intron variant (6).
Genome position (GRCh38, 1-based): chr7:154,052,970, G>A. VCF-style: chr7-154052970-G-A. GRCh37 (hg19) VCF-style: chr7-153750055-G-A.
Other names: c.150G>A, p.Ala50= (NM_001290253.2); c.60+303962G>A (NM_001364500.2, NM_001364499.2, NM_001364497.2 and 1 more transcripts); c.51+165236G>A (NM_001364501.2, NM_001039350.3).
Identifiers: ClinVar variation 2658249 (VCV002658249.24), dbSNP rs2486021175, ClinGen allele CA458822582.

ClinVar aggregate classification (germline): Likely benign (1 of 4 stars; one submission).

Allele frequency attached by ClinVar (database versions not stated): gnomAD exomes below 0.00001.
gnomAD v4.1: 4 of 1,107,368 alleles (0.00036%); highest among the groups gnomAD compares: Admixed American, 0.0051%; no homozygotes.

Submission:

CeGaT Center for Human Genetics Tuebingen
Classification: Likely benign. Last evaluated: 2022-06-01. Review status: criteria provided, single submitter. Criteria: CeGaT Center For Human Genetics Tuebingen Variant Classification Criteria Version 2. Collection method: clinical testing. Allele origin: germline. Affected: yes. Observed: 1 variant allele.
Comment: DPP6: PM2:Supporting, BP4, BP7